The following is an entry in ClinVar:

ClinVar aggregate classification (germline): Uncertain significance. Review status: criteria provided, multiple submitters, no conflicts (2 of 4 stars). 3 submissions from 3 submitters: Uncertain significance (3). Last evaluated 2026-03-24.

Conditions:
Hereditary cancer-predisposing syndrome. Also called: Neoplastic Syndromes, Hereditary; Tumor predisposition; Hereditary Cancer Syndrome; Hereditary neoplastic syndrome. Identifiers: Orphanet 140162, MedGen C0027672, MeSH D009386, MONDO:0015356.
Familial adenomatous polyposis 1 (FAP1). Also called: FAMILIAL ADENOMATOUS POLYPOSIS 1, ATTENUATED; POLYPOSIS, ADENOMATOUS INTESTINAL. Identifiers: MedGen C2713442, MONDO:0021056, OMIM 175100. Disease mechanism: loss of function.

Allele frequency attached by ClinVar (database versions not stated): TOPMed below 0.00001.
gnomAD v4.1: 1 of 1,614,196 alleles (0.000062%); no homozygotes.

Submissions (3):

Ambry Genetics
Classification: Uncertain significance for Hereditary cancer-predisposing syndrome. Last evaluated: 2026-03-24. Review status: criteria provided, single submitter. Criteria: Ambry Variant Classification Scheme 2023. Collection method: clinical testing. Allele origin: germline.
Comment: The p.D1285G variant (also known as c.3854A>G), located in coding exon 15 of the APC gene, results from an A to G substitution at nucleotide position 3854. The aspartic acid at codon 1285 is replaced by glycine, an amino acid with similar properties. This amino acid position is well conserved in available vertebrate species. In addition, in silico predictors for this gene do not accurately predict pathogenicity. Missense alterations in APC are not a common cause of disease (Spier I et al. Genet Med. 2024 Feb;26(2):100992). Based on the available evidence, the clinical significance of this variant remains unclear.

Labcorp Genetics (formerly Invitae), Labcorp
Classification: Uncertain significance for Familial adenomatous polyposis 1. Last evaluated: 2025-12-27. Review status: criteria provided, single submitter. Criteria: Invitae Variant Classification Sherloc (09022015). Collection method: clinical testing. Allele origin: germline.
Comment: This sequence change replaces aspartic acid, which is acidic and polar, with glycine, which is neutral and non-polar, at codon 1285 of the APC protein (p.Asp1285Gly). This variant is not present in population databases (gnomAD no frequency). This variant has not been reported in the literature in individuals affected with APC-related conditions. ClinVar contains an entry for this variant (Variation ID: 1735543). Invitae Evidence Modeling of protein sequence and biophysical properties (such as structural, functional, and spatial information, amino acid conservation, physicochemical variation, residue mobility, and thermodynamic stability) indicates that this missense variant is not expected to disrupt APC protein function with a negative predictive value of 95%. In summary, the available evidence is currently insufficient to determine the role of this variant in disease. Therefore, it has been classified as a Variant of Uncertain Significance.

Baylor Genetics
Classification: Uncertain significance for Familial adenomatous polyposis 1. Last evaluated: 2024-03-20. Review status: criteria provided, single submitter. Criteria: ACMG Guidelines, 2015. Collection method: clinical testing. Allele origin: unknown.

NM_000038.6(APC):c.3854A>G (p.Asp1285Gly)

Gene: APC (APC regulator of Wnt signaling pathway; plus strand). Cytogenetic location: 5q22.2.
Variant type: single nucleotide variant.
Coding change: c.3854A>G on transcript NM_000038.6 (MANE Select); coding-DNA position 3854, A replaced by G.
Protein change: p.Asp1285Gly; replaces aspartic acid 1285 with glycine.
Molecular consequence: missense variant.
Genome position (GRCh38, 1-based): chr5:112,839,448, A>G. VCF-style: chr5-112839448-A-G. GRCh37 (hg19) VCF-style: chr5-112175145-A-G.
Other names: c.3854A>G, p.Asp1285Gly (NM_001127510.3, NM_001354895.2, NM_001407450.1); c.3800A>G, p.Asp1267Gly (NM_001127511.3); c.3908A>G, p.Asp1303Gly (NM_001354896.2, NM_001407447.1, NM_001407448.1 and 1 more transcripts); c.3884A>G, p.Asp1295Gly (NM_001354897.2); c.3779A>G, p.Asp1260Gly (NM_001354898.2); c.3770A>G, p.Asp1257Gly (NM_001354899.2); c.3731A>G, p.Asp1244Gly (NM_001354900.2); c.3677A>G, p.Asp1226Gly (NM_001354901.2, NM_001407453.1); and 11 more; short protein forms D1156G, D1244G, D1303G, D1194G, D1226G, D1285G, D1159G, D1184G.
Identifiers: ClinVar variation 1735543 (VCV001735543.9), dbSNP rs1421153376, ClinGen allele CA16029787.
Genomic context (GRCh38, chr5:112,839,448, plus strand): 5'-AAGATACTCCAATATGTTTTTCAAGATGTAGTTCATTATCATCTTTGTCATCAGCTGAAG[A>G]TGAAATAGGATGTAATCAGACGACACAGGAAGCAGATTCTGCTAATACCCTGCAAATAGC-3'
Protein context (NP_000029.2, residues 1275-1295): SSLSSLSSAE[Asp1285Gly]EIGCNQTTQE